The following is an entry in ClinVar:

ClinVar aggregate classification (germline): Pathogenic (1 of 4 stars; one submission).

Conditions:
Primary ciliary dyskinesia 3. Identifiers: Orphanet 244, MedGen C1837618, MONDO:0012085, OMIM 608644.

Submission:

Myriad Genetics, Inc.
Classification: Pathogenic for Primary ciliary dyskinesia 3. Last evaluated: 2024-05-14. Review status: criteria provided, single submitter. Criteria: Myriad Autosomal Dominant, Autosomal Recessive and X-Linked Classification Criteria (2023). Collection method: clinical testing. Allele origin: unknown.
Comment: NM_001369.2(DNAH5):c.6221_6222ins8(N2074Kfs*11) is expected to be pathogenic in the context of primary ciliary dyskinesia, DNAH5-related. This variant is predicted to lead to an abnormal or absent protein product due to the creation of a premature termination codon in DNAH5, a gene where loss-of-function variants are known to be pathogenic. Please note: this variant was assessed in the context of healthy population screening.

NM_001369.3(DNAH5):c.6221_6222insGAGACAGT (p.Asn2074fs)

Gene: DNAH5 (dynein axonemal heavy chain 5; minus strand). Cytogenetic location: 5p15.2.
Variant type: Insertion.
Coding change: c.6221_6222insGAGACAGT on transcript NM_001369.3 (MANE Select); coding-DNA positions 6221 to 6222, GAGACAGT inserted.
Protein change: p.Asn2074fs; shifts the reading frame from asparagine 2074.
Molecular consequence: frameshift variant.
Genome position: GRCh38 VCF-style: chr5-13830053-G-GACTGTCTC. GRCh37 (hg19) VCF-style: chr5-13830162-G-GACTGTCTC.
Other names: short protein forms N2074fs.
Identifiers: ClinVar variation 5011151 (VCV005011151.1).